The following is an entry in ClinVar:

ClinVar aggregate classification (germline): Uncertain significance (1 of 4 stars; one submission).

Conditions:
Inborn genetic diseases. Identifiers: MedGen C0950123, MeSH D030342.

Submission:

Ambry Genetics
Classification: Uncertain significance for Inborn genetic diseases. Last evaluated: 2022-04-08. Review status: criteria provided, single submitter. Criteria: Ambry Variant Classification Scheme 2023. Collection method: clinical testing. Allele origin: germline.
Comment: The p.S825C variant (also known as c.2473A>T), located in coding exon 11 of the ATR gene, results from an A to T substitution at nucleotide position 2473. The serine at codon 825 is replaced by cysteine, an amino acid with dissimilar properties. This amino acid position is conserved. In addition, the in silico prediction for this alteration is inconclusive. Since supporting evidence is limited at this time, the clinical significance of this alteration remains unclear.

NM_001184.4(ATR):c.2473A>T (p.Ser825Cys)

Gene: ATR (ATR checkpoint kinase; minus strand). Cytogenetic location: 3q23.
Variant type: single nucleotide variant.
Coding change: c.2473A>T on transcript NM_001184.4 (MANE Select); coding-DNA position 2473, A replaced by T.
Protein change: p.Ser825Cys; replaces serine 825 with cysteine.
Molecular consequence: missense variant.
Genome position (GRCh38, 1-based): chr3:142,553,884, T>A on the plus strand (A>T on the coding strand, the complement: ATR is on the minus strand). VCF-style: chr3-142553884-T-A. GRCh37 (hg19) VCF-style: chr3-142272726-T-A.
Other names: c.2281A>T, p.Ser761Cys (NM_001354579.2); short protein forms S761C, S825C.
Identifiers: ClinVar variation 1791806 (VCV001791806.2), dbSNP rs2473385706, ClinGen allele CA354816544.